The following is an entry in ClinVar:

ClinVar aggregate classification (germline): Pathogenic. Review status: reviewed by expert panel (3 of 4 stars). 4 submissions from 4 submitters: Pathogenic (1). 3 of the submissions do not count toward it. Last evaluated 2020-06-29.

Conditions:
PAH-related disorder. Also called: PAH-related condition.
Phenylketonuria (PKU). Also called: Phenylketonuria (PKU); FOLLING DISEASE; OLIGOPHRENIA PHENYLPYRUVICA; Phenylketonurias. Identifiers: Orphanet 716, MedGen C0031485, MONDO:0009861, OMIM 261600. Disease mechanism: loss of function.

Submissions (4):

ClinGen PAH Variant Curation Expert Panel
Classification: Pathogenic for Phenylketonuria. Last evaluated: 2020-06-29. Review status: reviewed by expert panel. Criteria: ClinGen PAH ACMG Specifications v1. Collection method: curation. Allele origin: germline. Inheritance: Autosomal recessive inheritance.
Comment: The c.168G>T (p.Glu56Asp) variant in PAH has been reported in multiple individuals with mild and classic PKU (BH4 deficiency excluded) (PMID: 21147011, 23932990, 30050108). This variant is absent in population databases. This variant was detected with multiple pathogenic variants: R243Q (PMID: 8019568); R408W and T356X (PMID: 21147011); p.V399V, c.442-1G>A, p.I65T, p.R261Q (PMID: 30050108). Computational prediction tools and conservation analysis do not agree on the impact to the protein. In summary, this variant meets criteria to be classified as pathogenic for PAH. PAH-specific ACMG/AMP criteria applied: PM3_very-strong, PM2, PP4_Moderate.

Labcorp Genetics (formerly Invitae), Labcorp
Classification: Pathogenic for Phenylketonuria. Last evaluated: 2023-02-01. Review status: criteria provided, single submitter. Criteria: Invitae Variant Classification Sherloc (09022015). Collection method: clinical testing. Allele origin: germline. Not counted in ClinVar's aggregate classification.
Comment: This sequence change replaces glutamic acid, which is acidic and polar, with aspartic acid, which is acidic and polar, at codon 56 of the PAH protein (p.Glu56Asp). This variant also falls at the last nucleotide of exon 2, which is part of the consensus splice site for this exon. This variant is not present in population databases (gnomAD no frequency). This missense change has been observed in individual(s) with phenylketonuria (PMID: 32668217). ClinVar contains an entry for this variant (Variation ID: 102610). An algorithm developed to predict the effect of missense changes on protein structure and function (PolyPhen-2) suggests that this variant is likely to be tolerated. Variants that disrupt the consensus splice site are a relatively common cause of aberrant splicing (PMID: 17576681, 9536098). Algorithms developed to predict the effect of sequence changes on RNA splicing suggest that this variant may disrupt the consensus splice site. For these reasons, this variant has been classified as Pathogenic.

Blueprint Genetics
Classification: Pathogenic for PAH-related disorders. Last evaluated: 2022-07-18. Review status: criteria provided, single submitter. Criteria: ACMG Guidelines, 2015. Collection method: clinical testing. Allele origin: germline. Affected: yes. Observed: 2 variant alleles. Not counted in ClinVar's aggregate classification.

DeBelle Laboratory for Biochemical Genetics, MUHC/MCH RESEARCH INSTITUTE
No classification provided. Review status: no classification provided. Collection method: not provided. Allele origin: not provided. Not counted in ClinVar's aggregate classification.

Literature cited by the submitters: PubMed 21147011 (cited by ClinGen PAH Variant Curation Expert Panel); PubMed 32668217 (cited by Labcorp Genetics (formerly Invitae), Labcorp); PubMed 17576681 (cited by Labcorp Genetics (formerly Invitae), Labcorp); PubMed 9536098 (cited by Labcorp Genetics (formerly Invitae), Labcorp).

NM_000277.3(PAH):c.168G>T (p.Glu56Asp)

Gene: PAH (phenylalanine hydroxylase; minus strand). Cytogenetic location: 12q23.2.
Variant type: single nucleotide variant.
Coding change: c.168G>T on transcript NM_000277.3 (MANE Select); coding-DNA position 168, G replaced by T.
Protein change: p.Glu56Asp; replaces glutamic acid 56 with aspartic acid.
Molecular consequence: missense variant.
Genome position (GRCh38, 1-based): chr12:102,912,791, C>A on the plus strand (G>T on the coding strand, the complement: PAH is on the minus strand). VCF-style: chr12-102912791-C-A. GRCh37 (hg19) VCF-style: chr12-103306569-C-A.
Other names: c.168G>T, p.Glu56Asp (NM_001354304.2); short protein forms E56D.
Identifiers: ClinVar variation 102610 (VCV000102610.7), dbSNP rs199475567, ClinGen allele CA229459.